The following is an entry in ClinVar:

ClinVar aggregate classification (germline): Uncertain significance (1 of 4 stars; one submission).

Conditions:
Hereditary cancer-predisposing syndrome. Also called: Neoplastic Syndromes, Hereditary; Tumor predisposition; Hereditary Cancer Syndrome; Hereditary neoplastic syndrome. Identifiers: Orphanet 140162, MedGen C0027672, MeSH D009386, MONDO:0015356.

Submission:

Ambry Genetics
Classification: Uncertain significance for Hereditary cancer-predisposing syndrome. Last evaluated: 2022-02-09. Review status: criteria provided, single submitter. Criteria: Ambry Variant Classification Scheme 2023. Collection method: clinical testing. Allele origin: germline.
Comment: The c.684-1G>A intronic variant results from a G to A substitution one nucleotide before coding exon 6 of the CDK4 gene. This nucleotide position is highly conserved in available vertebrate species. In silico splice site analysis predicts that this alteration will weaken the native splice acceptor site. Alterations that disrupt the canonical splice site are expected to cause aberrant splicing, resulting in an abnormal protein or a transcript that is subject to nonsense-mediated mRNA decay. However, loss of function of CDK4 has not been clearly established as a mechanism of disease. Since supporting evidence is limited at this time, the clinical significance of this alteration remains unclear.

NM_000075.4(CDK4):c.684-1G>A

Genes: TSPAN31 (tetraspanin 31; plus strand), CDK4 (cyclin dependent kinase 4; minus strand). Cytogenetic location: 12q14.1.
Variant type: single nucleotide variant.
Coding change: c.684-1G>A on transcript NM_000075.4 (MANE Select); the canonical splice acceptor site of the intron before coding-DNA position 684, G replaced by A.
Molecular consequence: splice acceptor variant. On other transcripts: 3 prime UTR variant (3).
Genome position (GRCh38, 1-based): chr12:57,749,318, C>T on the plus strand (G>A on the coding strand, the complement: CDK4 is on the minus strand). VCF-style: chr12-57749318-C-T. GRCh37 (hg19) VCF-style: chr12-58143101-C-T.
Other names: c.*2028C>T (NM_001330168.2, NM_001330169.2, NM_005981.5).
Identifiers: ClinVar variation 1755740 (VCV001755740.2), dbSNP rs2140383187, ClinGen allele CA385543788.